The following is an entry in ClinVar:

NM_003482.4(KMT2D):c.3029G>A (p.Gly1010Glu)

Gene: KMT2D (lysine methyltransferase 2D; minus strand). Cytogenetic location: 12q13.12.
Variant type: single nucleotide variant.
Coding change: c.3029G>A on transcript NM_003482.4 (MANE Select); coding-DNA position 3029, G replaced by A.
Protein change: p.Gly1010Glu; replaces glycine 1010 with glutamic acid.
Molecular consequence: missense variant.
Genome position (GRCh38, 1-based): chr12:49,050,559, C>T on the plus strand (G>A on the coding strand, the complement: KMT2D is on the minus strand). VCF-style: chr12-49050559-C-T. GRCh37 (hg19) VCF-style: chr12-49444342-C-T.
Other names: short protein forms G1010E.
Identifiers: ClinVar variation 1480440 (VCV001480440.8), dbSNP rs1161208972, ClinGen allele CA384659855.

ClinVar aggregate classification (germline): Uncertain significance (1 of 4 stars; one submission).

Conditions:
Kabuki syndrome. Also called: NIIKAWA-KUROKI SYNDROME; Kabuki make-up syndrome. Identifiers: Orphanet 2322, MedGen C0796004, MONDO:0016512.

Allele frequency attached by ClinVar (database versions not stated): gnomAD exomes below 0.00001; TOPMed below 0.00001; gnomAD 0.00001.
gnomAD v4.1: 3 of 1,603,290 alleles (0.00019%); highest among the groups gnomAD compares: South Asian, 0.0011%; no homozygotes.

Submission:

Labcorp Genetics (formerly Invitae), Labcorp
Classification: Uncertain significance for Kabuki syndrome. Last evaluated: 2020-12-03. Review status: criteria provided, single submitter. Criteria: Invitae Variant Classification Sherloc (09022015). Collection method: clinical testing. Allele origin: germline.
Comment: Advanced modeling of protein sequence and biophysical properties (such as structural, functional, and spatial information, amino acid conservation, physicochemical variation, residue mobility, and thermodynamic stability) performed at Invitae indicates that this missense variant is not expected to disrupt KMT2D protein function. This sequence change replaces glycine with glutamic acid at codon 1010 of the KMT2D protein (p.Gly1010Glu). The glycine residue is weakly conserved and there is a moderate physicochemical difference between glycine and glutamic acid. This variant is not present in population databases (ExAC no frequency). This variant has not been reported in the literature in individuals with KMT2D-related conditions. In summary, the available evidence is currently insufficient to determine the role of this variant in disease. Therefore, it has been classified as a Variant of Uncertain Significance.